The following is an entry in ClinVar:

NM_003072.5(SMARCA4):c.4912-16C>T

Gene: SMARCA4 (SWI/SNF related BAF chromatin remodeling complex subunit ATPase 4; plus strand). Cytogenetic location: 19p13.2.
Variant type: single nucleotide variant.
Coding change: c.4912-16C>T on transcript NM_003072.5 (MANE Select); 16 bases into the intron before coding-DNA position 4912, C replaced by T.
Molecular consequence: intron variant.
Genome position (GRCh38, 1-based): chr19:11,061,768, C>T. VCF-style: chr19-11061768-C-T. GRCh37 (hg19) VCF-style: chr19-11172444-C-T.
Other names: c.4912-16C>T (NM_001128844.3); c.5008-16C>T (NM_001128849.3, NM_001387283.1); c.4813-16C>T (NM_001128847.4, NM_001374457.1); c.4909-16C>T (NM_001411150.1); c.4822-16C>T (NM_001128845.2); c.4819-16C>T (NM_001128846.2); c.4810-16C>T (NM_001128848.2).
Identifiers: ClinVar variation 5042190 (VCV005042190.1).

ClinVar aggregate classification (germline): Likely benign (1 of 4 stars; one submission).

Conditions:
Rhabdoid tumor predisposition syndrome 2 (RTPS2). Identifiers: Orphanet 231108, Orphanet 69077, MedGen C2750074, MONDO:0013224, OMIM 613325.

Submission:

Myriad Genetics, Inc.
Classification: Likely benign for Rhabdoid tumor predisposition syndrome 2. Last evaluated: 2026-07-08. Review status: criteria provided, single submitter. Criteria: Myriad Autosomal Dominant, Autosomal Recessive and X-Linked Classification Criteria (2023). Collection method: clinical testing. Allele origin: unknown.
Comment: This variant is considered likely benign. This variant is intronic and is not expected to impact mRNA splicing.